The following is an entry in ClinVar:

NM_005859.5(PURA):c.496C>A (p.Arg166Ser)

Gene: PURA (purine rich element binding protein A; plus strand). Cytogenetic location: 5q31.3.
Variant type: single nucleotide variant.
Coding change: c.496C>A on transcript NM_005859.5 (MANE Select); coding-DNA position 496, C replaced by A.
Protein change: p.Arg166Ser; replaces arginine 166 with serine.
Molecular consequence: missense variant.
Genome position (GRCh38, 1-based): chr5:140,114,677, C>A. VCF-style: chr5-140114677-C-A. GRCh37 (hg19) VCF-style: chr5-139494262-C-A.
Other names: short protein forms R166S.
Identifiers: ClinVar variation 546137 (VCV000546137.2), dbSNP rs1554129096, ClinGen allele CA361490903.
Genomic context (GRCh38, chr5:140,114,677, plus strand): 5'-GAGTTCCTGGTGCGCGAGAACCGCAAGTACTACATGGATCTCAAGGAGAACCAGCGCGGC[C>A]GCTTCCTGCGCATCCGCCAGACGGTCAACCGGGGGCCTGGCCTGGGCTCCACGCAGGGCC-3'
Protein context (NP_005850.1, residues 156-176): YMDLKENQRG[Arg166Ser]FLRIRQTVNR

ClinVar aggregate classification (germline): Uncertain significance (1 of 4 stars; one submission).

Submission:

GeneDx
Classification: Uncertain significance. Last evaluated: 2018-05-17. Review status: criteria provided, single submitter. Criteria: GeneDx Variant Classification (06012015). Collection method: clinical testing. Allele origin: germline. Affected: yes.
Comment: A variant of uncertain significance has been identified in the PURA gene. The R166S variant has not been published as a pathogenic variant, nor has it been reported as a benign variant to our knowledge. The R166S variant is not observed in large population cohorts (Lek et al., 2016). The R166S variant is a semi-conservative amino acid substitution, which may impact secondary protein structure as these residues differ in some properties. In-silico analyses, including protein predictors and evolutionary conservation, support a deleterious effect. Based on the currently available information, it is unclear whether this variant is a pathogenic variant or a rare benign variant.